The following is an entry in ClinVar:

NM_000465.4(BARD1):c.341del (p.Leu114fs)

Gene: BARD1 (BRCA1 associated RING domain 1; minus strand). Cytogenetic location: 2q35.
Variant type: Deletion.
Coding change: c.341del on transcript NM_000465.4 (MANE Select); coding-DNA position 341, one base deleted (T; older notation c.341delT).
Protein change: p.Leu114fs; shifts the reading frame from leucine 114.
Molecular consequence: frameshift variant. On other transcripts: non-coding transcript variant (1), intron variant (2).
Genome position (GRCh38, 1-based): chr2:214,792,320, A deleted on the plus strand (T on the coding strand, the reverse complement: BARD1 is on the minus strand); the first of 3 consecutive A bases (chr2:214,792,320-214,792,322); deleting any one gives the same sequence. VCF-style (leftmost placement, unchanged base first): chr2-214792319-CA-C. GRCh37 (hg19) VCF-style: chr2-215657043-CA-C.
Other names: c.284del, p.Leu95fs (NM_001282543.2); c.341del, p.Leu114fs (NM_001282549.2); c.158+17092del (NM_001282548.2); c.215+4741del (NM_001282545.2); short protein forms L95fs, L114fs.
Identifiers: ClinVar variation 4824127 (VCV004824127.1).

ClinVar aggregate classification (germline): Pathogenic (1 of 4 stars; one submission).

Conditions:
Hereditary cancer-predisposing syndrome. Also called: Neoplastic Syndromes, Hereditary; Hereditary neoplastic syndrome; Tumor predisposition; Hereditary Cancer Syndrome. Identifiers: Orphanet 140162, MedGen C0027672, MeSH D009386, MONDO:0015356.

Submission:

Ambry Genetics
Classification: Pathogenic for Hereditary cancer-predisposing syndrome. Last evaluated: 2026-02-04. Review status: criteria provided, single submitter. Criteria: Ambry Variant Classification Scheme 2023. Collection method: clinical testing. Allele origin: germline.
Comment: The c.341delT pathogenic mutation, located in coding exon 3 of the BARD1 gene, results from a deletion of one nucleotide at nucleotide position 341, causing a translational frameshift with a predicted alternate stop codon (p.L114Cfs*10). This variant is considered to be rare based on population cohorts in the Genome Aggregation Database (gnomAD). This alteration is expected to result in loss of function by premature protein truncation or nonsense-mediated mRNA decay. As such, this alteration is interpreted as a disease-causing mutation.